The following is an entry in ClinVar:

NM_003665.4(FCN3):c.376G>A (p.Glu126Lys)

Gene: FCN3 (ficolin 3; minus strand). Cytogenetic location: 1p36.11.
Variant type: single nucleotide variant.
Coding change: c.376G>A on transcript NM_003665.4 (MANE Select); coding-DNA position 376, G replaced by A.
Protein change: p.Glu126Lys; replaces glutamic acid 126 with lysine.
Molecular consequence: missense variant.
Genome position (GRCh38, 1-based): chr1:27,373,153, C>T on the plus strand (G>A on the coding strand, the complement: FCN3 is on the minus strand). VCF-style: chr1-27373153-C-T. GRCh37 (hg19) VCF-style: chr1-27699644-C-T.
Other names: c.343G>A, p.Glu115Lys (NM_173452.3); short protein forms E115K, E126K.
Identifiers: ClinVar variation 3770848 (VCV003770848.13).

ClinVar aggregate classification (germline): Likely benign (1 of 4 stars; one submission).

gnomAD v4.1: 661 of 1,613,946 alleles (0.041%); highest among the groups gnomAD compares: East Asian, 0.076%; 2 homozygotes.

Submission:

CeGaT Center for Human Genetics Tuebingen
Classification: Likely benign. Last evaluated: 2025-06-01. Review status: criteria provided, single submitter. Criteria: CeGaT Center For Human Genetics Tuebingen Variant Classification Criteria Version 2. Collection method: clinical testing. Allele origin: germline. Affected: yes. Observed: 2 variant alleles.
Comment: FCN3: BP4